The following is an entry in ClinVar:

ClinVar aggregate classification (germline): Uncertain significance (1 of 4 stars; one submission).

Submission:

GeneDx
Classification: Uncertain significance. Last evaluated: 2025-07-07. Review status: criteria provided, single submitter. Criteria: GeneDx Variant Classification Process June 2021. Collection method: clinical testing. Allele origin: germline. Affected: yes.
Comment: Not observed at significant frequency in large population cohorts (gnomAD); In silico analysis supports that this missense variant has a deleterious effect on protein structure/function; Has not been previously published as pathogenic or benign to our knowledge

NM_001042681.2(RERE):c.1219G>C (p.Gly407Arg)

Gene: RERE (arginine-glutamic acid dipeptide repeats; minus strand). Cytogenetic location: 1p36.23.
Variant type: single nucleotide variant.
Coding change: c.1219G>C on transcript NM_001042681.2 (MANE Select); coding-DNA position 1219, G replaced by C.
Protein change: p.Gly407Arg; replaces glycine 407 with arginine.
Molecular consequence: missense variant. On other transcripts: 5 prime UTR variant (1).
Genome position (GRCh38, 1-based): chr1:8,422,792, C>G on the plus strand (G>C on the coding strand, the complement: RERE is on the minus strand). VCF-style: chr1-8422792-C-G. GRCh37 (hg19) VCF-style: chr1-8482852-C-G.
Other names: c.-444G>C (NM_001042682.2); c.1219G>C, p.Gly407Arg (NM_012102.4); short protein forms G407R.
Identifiers: ClinVar variation 4685350 (VCV004685350.1).